The following is an entry in ClinVar:

ClinVar aggregate classification (germline): Uncertain significance (1 of 4 stars; one submission).

gnomAD v4.1: 1 of 1,591,288 alleles (0.000063%); highest among the groups gnomAD compares: African/African-American, 0.0013%; no homozygotes.

Submission:

GeneDx
Classification: Uncertain significance. Last evaluated: 2024-02-16. Review status: criteria provided, single submitter. Criteria: GeneDx Variant Classification Process June 2021. Collection method: clinical testing. Allele origin: germline. Affected: yes.
Comment: In silico analysis supports that this missense variant does not alter protein structure/function; Has not been previously published as pathogenic or benign to our knowledge

NM_015021.3(ZNF292):c.5820T>G (p.Asn1940Lys)

Gene: ZNF292 (zinc finger protein 292; plus strand). Cytogenetic location: 6q14.3.
Variant type: single nucleotide variant.
Coding change: c.5820T>G on transcript NM_015021.3 (MANE Select); coding-DNA position 5820, T replaced by G.
Protein change: p.Asn1940Lys; replaces asparagine 1940 with lysine.
Molecular consequence: missense variant.
Genome position (GRCh38, 1-based): chr6:87,259,449, T>G. VCF-style: chr6-87259449-T-G. GRCh37 (hg19) VCF-style: chr6-87969167-T-G.
Other names: c.5400T>G, p.Asn1800Lys (NM_001351444.2); short protein forms N1800K, N1940K.
Identifiers: ClinVar variation 3369387 (VCV003369387.1).